The following is an entry in ClinVar:

NM_004727.3(SLC24A1):c.391A>G (p.Ser131Gly)

Gene: SLC24A1 (solute carrier family 24 member 1; plus strand). Cytogenetic location: 15q22.31.
Variant type: single nucleotide variant.
Coding change: c.391A>G on transcript NM_004727.3 (MANE Select); coding-DNA position 391, A replaced by G.
Protein change: p.Ser131Gly; replaces serine 131 with glycine.
Molecular consequence: missense variant.
Genome position (GRCh38, 1-based): chr15:65,624,471, A>G. VCF-style: chr15-65624471-A-G. GRCh37 (hg19) VCF-style: chr15-65916809-A-G.
Other names: c.391A>G, p.Ser131Gly (NM_001301031.1, NM_001301032.1, NM_001301033.2); short protein forms S131G.
Identifiers: ClinVar variation 1503768 (VCV001503768.8), dbSNP rs2141459077, ClinGen allele CA392913659.
Genomic context (GRCh38, chr15:65,624,471, plus strand): 5'-ATCCCCAGTATGCCTAAAAGAACAGCCAAGATGATCCCAACAACAACCAAGAATAATTAC[A>G]GCCCAACAGCAGCAGGTACAGAAAGAAGGAAGGAAGACACCCCAACATCCAGTAGAACAC-3'
Protein context (NP_004718.1, residues 121-141): MIPTTTKNNY[Ser131Gly]PTAAGTERRK

ClinVar aggregate classification (germline): Uncertain significance (1 of 4 stars; one submission).

Submission:

Labcorp Genetics (formerly Invitae), Labcorp
Classification: Uncertain significance. Last evaluated: 2022-07-05. Review status: criteria provided, single submitter. Criteria: Invitae Variant Classification Sherloc (09022015). Collection method: clinical testing. Allele origin: germline.
Comment: In summary, the available evidence is currently insufficient to determine the role of this variant in disease. Therefore, it has been classified as a Variant of Uncertain Significance. Algorithms developed to predict the effect of missense changes on protein structure and function are either unavailable or do not agree on the potential impact of this missense change (SIFT: "Deleterious"; PolyPhen-2: "Possibly Damaging"; Align-GVGD: "Class C0"). ClinVar contains an entry for this variant (Variation ID: 1503768). This variant has not been reported in the literature in individuals affected with SLC24A1-related conditions. This variant is not present in population databases (gnomAD no frequency). This sequence change replaces serine, which is neutral and polar, with glycine, which is neutral and non-polar, at codon 131 of the SLC24A1 protein (p.Ser131Gly).